The following is an entry in ClinVar:

ClinVar aggregate classification (germline): Likely benign (1 of 4 stars; one submission).

Conditions:
Progressive sclerosing poliodystrophy (MTDPS4A). Also called: Alpers-Huttenlocher Syndrome (AHS); Alpers Syndrome; ALPERS PROGRESSIVE INFANTILE POLIODYSTROPHY; Mitochondrial DNA depletion syndrome 4A (Alpers type); ALPERS DIFFUSE DEGENERATION OF CEREBRAL GRAY MATTER WITH HEPATIC CIRRHOSIS; Alpers-Huttenlocher Syndrome. Identifiers: Orphanet 726, MedGen C0205710, MONDO:0008758, OMIM 203700.

Allele frequency attached by ClinVar (database versions not stated): gnomAD exomes below 0.00001; TOPMed below 0.00001.

Submission:

Wong Mito Lab, Molecular and Human Genetics, Baylor College of Medicine
Classification: Likely benign for Progressive sclerosing poliodystrophy. Last evaluated: 2018-10-01. Review status: criteria provided, single submitter. Criteria: ACMG Guidelines, 2015. Collection method: clinical testing. Allele origin: germline.
Comment: The NM_002693.2:c.2735-42A>G (NP_002684.1:p.=) [GRCH38: NC_000015.10:g.89321054T>C] variant in POLG gene is interpretated to be a Likely Benign based on ACMG guidelines (PMID: 25741868). This variant meets the following evidence codes reported in the ACMG-guideline. BP4:Computational evidence/predictors indicate no impact on the POLG structure, function, or protein-protein interaction. BP6:Reputable source(s) without shared data suggest the variant is benign. Based on the evidence criteria codes applied, the variant is suggested to be Likely Benign.

NM_002693.3(POLG):c.2735-42A>G

Gene: POLG (DNA polymerase gamma, catalytic subunit; minus strand). Cytogenetic location: 15q26.1.
Variant type: single nucleotide variant.
Coding change: c.2735-42A>G on transcript NM_002693.3 (MANE Select); 42 bases into the intron before coding-DNA position 2735, A replaced by G.
Molecular consequence: intron variant.
Genome position (GRCh38, 1-based): chr15:89,321,054, T>C on the plus strand (A>G on the coding strand, the complement: POLG is on the minus strand). VCF-style: chr15-89321054-T-C. GRCh37 (hg19) VCF-style: chr15-89864285-T-C.
Other names: c.2735-42A>G (NM_001126131.2).
Identifiers: ClinVar variation 619373 (VCV000619373.1), dbSNP rs1258121070, ClinGen allele CA10602321.